The following is an entry in ClinVar:

NM_000486.6(AQP2):c.360+1G>A

Gene: AQP2 (aquaporin 2; plus strand). Cytogenetic location: 12q13.12.
Variant type: single nucleotide variant.
Coding change: c.360+1G>A on transcript NM_000486.6 (MANE Select); the canonical splice donor site of the intron after coding-DNA position 360, G replaced by A.
Molecular consequence: splice donor variant.
Genome position (GRCh38, 1-based): chr12:49,951,191, G>A. VCF-style: chr12-49951191-G-A. GRCh37 (hg19) VCF-style: chr12-50344974-G-A.
Other names: c.360+1G>A (NM_000486.5).
Identifiers: ClinVar variation 1516570 (VCV001516570.11), dbSNP rs745861885, ClinGen allele CA6559207.
Genomic context (GRCh38, chr12:49,951,191, plus strand): 5'-GCCGCTCTGCTCCATGAGATCACGCCAGCAGACATCCGCGGGGACCTGGCTGTCAATGCT[G>A]TGAGTAGCCACAACTTTGCCATCCACAAGGGGCAGGTCCTGGGGAATCCCTTGTAAAGGA-3'

ClinVar aggregate classification (germline): Likely pathogenic. Review status: criteria provided, multiple submitters, no conflicts (2 of 4 stars). 3 submissions from 3 submitters: Likely pathogenic (3). Last evaluated 2026-01-19.

Conditions:
Nephrogenic diabetes insipidus. Identifiers: Orphanet 223, MedGen C0162283, MONDO:0016383, HP:0009806.
Diabetes insipidus, nephrogenic, autosomal (NDI2). Also called: Diabetes insipidus, nephrogenic, 2, autosomal; Nephrogenic Diabetes Insipidus, Type II. Identifiers: Orphanet 223, MedGen C1563706, MONDO:0007451, OMIM 125800.

Allele frequency attached by ClinVar (database versions not stated): ExAC 0.00001; gnomAD exomes 0.00001 and 0.00002.

Submissions (3):

Labcorp Genetics (formerly Invitae), Labcorp
Classification: Likely pathogenic. Last evaluated: 2026-01-19. Review status: criteria provided, single submitter. Criteria: Invitae Variant Classification Sherloc (09022015). Collection method: clinical testing. Allele origin: germline.
Comment: This sequence change affects a donor splice site in intron 1 of the AQP2 gene. It is expected to disrupt RNA splicing. Variants that disrupt the donor or acceptor splice site typically lead to a loss of protein function (PMID: 16199547), and loss-of-function variants in AQP2 are known to be pathogenic (PMID: 9024277, 27156763). The frequency data for this variant in the population databases is considered unreliable, as metrics indicate poor data quality at this position in the gnomAD database. This variant has not been reported in the literature in individuals affected with AQP2-related conditions. ClinVar contains an entry for this variant (Variation ID: 1516570). Algorithms developed to predict the effect of sequence changes on RNA splicing suggest that this variant may disrupt the consensus splice site. In summary, the currently available evidence indicates that the variant is pathogenic, but additional data are needed to prove that conclusively. Therefore, this variant has been classified as Likely Pathogenic.

Natera, Inc.
Classification: Likely pathogenic for Nephrogenic diabetes insipidus. Last evaluated: 2025-11-21. Review status: criteria provided, single submitter. Criteria: Natera Variant Classification Schema (03/2026). Collection method: clinical testing. Allele origin: germline.
Comment: The c.360+1G>A variant in AQP2 is a canonical splice donor site variant predicted to affect pre-mRNA splicing, which may result in an abnormal transcript and altered protein product. This variant is expected to result in nonsense mediated decay, truncation, or a dysfunctional protein product. This variant is rare in the general population with a frequency below the threshold expected for the associated phenotype(s). Given the available evidence, this variant is classified as Likely Pathogenic.

Fulgent Genetics
Classification: Likely pathogenic for Diabetes insipidus, nephrogenic, autosomal. Last evaluated: 2021-09-17. Review status: criteria provided, single submitter. Criteria: ACMG Guidelines, 2015. Collection method: clinical testing. Allele origin: unknown.

Literature cited by the submitters: PubMed 16199547 (cited by Labcorp Genetics (formerly Invitae), Labcorp); PubMed 9024277 (cited by Labcorp Genetics (formerly Invitae), Labcorp); PubMed 27156763 (cited by Labcorp Genetics (formerly Invitae), Labcorp).